The following is an entry in ClinVar:

NM_000095.3(COMP):c.1222G>A (p.Asp408Asn)

Gene: COMP (cartilage oligomeric matrix protein; minus strand). Cytogenetic location: 19p13.11.
Variant type: single nucleotide variant.
Coding change: c.1222G>A on transcript NM_000095.3 (MANE Select); coding-DNA position 1222, G replaced by A.
Protein change: p.Asp408Asn; replaces aspartic acid 408 with asparagine.
Molecular consequence: missense variant.
Genome position (GRCh38, 1-based): chr19:18,786,564, C>T on the plus strand (G>A on the coding strand, the complement: COMP is on the minus strand). VCF-style: chr19-18786564-C-T. GRCh37 (hg19) VCF-style: chr19-18897374-C-T.
Other names: short protein forms D408N.
Identifiers: ClinVar variation 381655 (VCV000381655.2), dbSNP rs886042932, ClinGen allele CA16608981.

ClinVar aggregate classification (germline): Likely pathogenic (1 of 4 stars; one submission).

Submission:

GeneDx
Classification: Likely pathogenic. Last evaluated: 2016-11-02. Review status: criteria provided, single submitter. Criteria: GeneDx Variant Classification (06012015). Collection method: clinical testing. Allele origin: germline. Affected: yes.
Comment: The D408N variant in the COMP gene has been reported previously in the heterozygous state, in association with multiple epiphyseal dysplasia (Briggs et al., 2014). The D408N variant was not observed in approximately 6500 individuals of European and African American ancestry in the NHLBI Exome Sequencing Project, indicating it is not a common benign variant in these populations. The D408N variant is a semi-conservative amino acid substitution, which may impact secondary protein structure as these residues differ in some properties. This substitution occurs at a position that is conserved across species. In silico analysis predicts this variant is probably damaging to the protein structure/function. A different substitution at the same codon (D408Y) and missense variants in nearby residues (G404R, C407Y, C407F, C410Y) have been reported in the Human Gene Mutation Database in association with COMP-related disorders (Stenson et al., 2014), supporting the functional importance of this region of the protein. Therefore, we interpret D408N as a likely pathogenic variant, however, the possibility this is a benign variant cannot be excluded.